The following is an entry in ClinVar:

NM_182643.3(DLC1):c.3492C>A (p.Asn1164Lys)

Gene: DLC1 (DLC1 Rho GTPase activating protein; minus strand). Cytogenetic location: 8p22.
Variant type: single nucleotide variant.
Coding change: c.3492C>A on transcript NM_182643.3 (MANE Select); coding-DNA position 3492, C replaced by A.
Protein change: p.Asn1164Lys; replaces asparagine 1164 with lysine.
Molecular consequence: missense variant.
Genome position (GRCh38, 1-based): chr8:13,094,793, G>T on the plus strand (C>A on the coding strand, the complement: DLC1 is on the minus strand). VCF-style: chr8-13094793-G-T. GRCh37 (hg19) VCF-style: chr8-12952302-G-T.
Other names: c.1959C>A, p.Asn653Lys (NM_001164271.2, NM_001348082.2, NM_001348083.1 and 6 more transcripts); c.2283C>A, p.Asn761Lys (NM_001316668.2, NM_001413129.1); c.3492C>A, p.Asn1164Lys (NM_001348081.2, NM_001413124.1); c.2274C>A, p.Asn758Lys (NM_001413130.1); c.1932C>A, p.Asn644Lys (NM_001413131.1, NM_001413137.1); c.2418C>A, p.Asn806Lys (NM_001413132.1); c.2181C>A, p.Asn727Lys (NM_001413135.1, NM_001413136.1, NM_001413139.1 and 1 more transcripts); c.2316C>A, p.Asn772Lys (NM_001413140.1); short protein forms N1164K, N644K, N758K, N761K, N806K, N727K, N772K, N653K.
Identifiers: ClinVar variation 4781455 (VCV004781455.1).

ClinVar aggregate classification (germline): Uncertain significance (1 of 4 stars; one submission).

gnomAD v4.1: 2 of 1,614,196 alleles (0.00012%); highest among the groups gnomAD compares: Non-Finnish European, 0.000085%; no homozygotes.

Submission:

Labcorp Genetics (formerly Invitae), Labcorp
Classification: Uncertain significance. Last evaluated: 2025-10-01. Review status: criteria provided, single submitter. Criteria: Invitae Variant Classification Sherloc (09022015). Collection method: clinical testing. Allele origin: germline.
Comment: This sequence change replaces asparagine, which is neutral and polar, with lysine, which is basic and polar, at codon 1164 of the DLC1 protein (p.Asn1164Lys). This variant is not present in population databases (gnomAD no frequency). This variant has not been reported in the literature in individuals affected with DLC1-related conditions. An algorithm developed to predict the effect of missense changes on protein structure and function (PolyPhen-2) suggests that this variant is likely to be disruptive. In summary, the available evidence is currently insufficient to determine the role of this variant in disease. Therefore, it has been classified as a Variant of Uncertain Significance.